The following is an entry in ClinVar:

NC_000006.11:g.(135679326_135715913)_(135732683_135748304)del

Gene: AHI1 (Abelson helper integration site 1; minus strand). Cytogenetic location: 6q23.3.
Variant type: Deletion.
Identifiers: ClinVar variation 1339741 (VCV001339741.2).

ClinVar aggregate classification (germline): Uncertain significance (1 of 4 stars; one submission).

Submission:

Women's Health and Genetics/Laboratory Corporation of America, LabCorp
Classification: Uncertain significance. Last evaluated: 2024-05-14. Review status: criteria provided, single submitter. Criteria: LabCorp Variant Classification Summary - May 2015. Collection method: clinical testing. Allele origin: germline.
Comment: Variant summary: The variant involves the deletion of exons 20-22 in the AHI1 gene. This Copy Number Variant (CNV) is predicted to result in an in-frame deletion within this gene. A presumed nomenclature of c.(2764+1_2765-1)_(3109+1_3110-1)del has been designated for the purposes of this classification. The variant allele was found at a frequency of 4.6e-05 in 21694 control chromosomes (gnomAD, structural variants dataset). The available data on variant occurrences in the general population are insufficient to allow any conclusion about variant significance. To our knowledge, no occurrence of c.(2764+1_2765-1)_(3109+1_3110-1)del in individuals affected with Joubert Syndrome And Related Disorders and no experimental evidence demonstrating its impact on protein function have been reported. ClinVar contains an entry for this variant (Variation ID: 583596). Based on the evidence outlined above, the variant was classified as uncertain significance.